The following is an entry in ClinVar:

NM_000834.5(GRIN2B):c.2002G>T (p.Asp668Tyr)

Gene: GRIN2B (glutamate ionotropic receptor NMDA type subunit 2B; minus strand). Cytogenetic location: 12p13.1.
Variant type: single nucleotide variant.
Coding change: c.2002G>T on transcript NM_000834.5 (MANE Select); coding-DNA position 2002, G replaced by T.
Protein change: p.Asp668Tyr; replaces aspartic acid 668 with tyrosine.
Molecular consequence: missense variant.
Genome position (GRCh38, 1-based): chr12:13,608,611, C>A on the plus strand (G>T on the coding strand, the complement: GRIN2B is on the minus strand). VCF-style: chr12-13608611-C-A. GRCh37 (hg19) VCF-style: chr12-13761545-C-A.
Other names: short protein forms D668Y.
Identifiers: ClinVar variation 234668 (VCV000234668.5), dbSNP rs876661151, ClinGen allele CA10577448.

ClinVar aggregate classification (germline): Pathogenic/Likely pathogenic. Review status: criteria provided, multiple submitters, no conflicts (2 of 4 stars). 3 submissions from 3 submitters: Pathogenic (1); Likely pathogenic (2). Last evaluated 2024-10-22.

Conditions:
Intellectual developmental disorder, autosomal dominant 6, with or without seizures. Also called: Intellectual disability, autosomal dominant 6; GRIN2B-related developmental delay, intellectual disability and autism spectrum disorder. Identifiers: Orphanet 589547, MedGen C3151411, MONDO:0013509, OMIM 613970.
Developmental and epileptic encephalopathy, 27 (DEE27). Also called: Epileptic encephalopathy, early infantile, 27; GRIN2B-Related Neurodevelopmental Disorder. Identifiers: Orphanet 3451, MedGen C4015316, MONDO:0014505, OMIM 616139.

Submissions (3):

Labcorp Genetics (formerly Invitae), Labcorp
Classification: Pathogenic for Developmental and epileptic encephalopathy, 27; Intellectual developmental disorder, autosomal dominant 6, with or without seizures. Last evaluated: 2024-10-22. Review status: criteria provided, single submitter. Criteria: Invitae Variant Classification Sherloc (09022015). Collection method: clinical testing. Allele origin: germline.
Comment: This sequence change replaces aspartic acid, which is acidic and polar, with tyrosine, which is neutral and polar, at codon 668 of the GRIN2B protein (p.Asp668Tyr). This variant is not present in population databases (gnomAD no frequency). This missense change has been observed in individual(s) with clinical features of developmental and epileptic encephalopathy (PMID: 28377535). In at least one individual the variant was observed to be de novo. ClinVar contains an entry for this variant (Variation ID: 234668). Invitae Evidence Modeling of protein sequence and biophysical properties (such as structural, functional, and spatial information, amino acid conservation, physicochemical variation, residue mobility, and thermodynamic stability) indicates that this missense variant is expected to disrupt GRIN2B protein function with a positive predictive value of 95%. This variant disrupts the p.Asp668 amino acid residue in GRIN2B. Other variant(s) that disrupt this residue have been determined to be pathogenic (PMID: 34160719; internal data). This suggests that this residue is clinically significant, and that variants that disrupt this residue are likely to be disease-causing. For these reasons, this variant has been classified as Pathogenic.

Institute of Human Genetics, University of Leipzig Medical Center
Classification: Likely pathogenic for Intellectual developmental disorder, autosomal dominant 6, with or without seizures. Last evaluated: 2017-04-04. Review status: criteria provided, single submitter. Criteria: ACMG Guidelines, 2015. Collection method: clinical testing. Allele origin: de novo. Affected: yes.
Comment: This variant was identified as de novo (maternity and paternity confirmed).

GeneDx
Classification: Likely pathogenic. Last evaluated: 2015-11-25. Review status: criteria provided, single submitter. Criteria: GeneDx Variant Classification (06012015). Collection method: clinical testing. Allele origin: germline. Affected: yes.
Comment: The D668Y variant in the GRIN2B gene has not been reported previously as a pathogenic variant, nor as a benign variant, to our knowledge. The D668Y variant was not observed in approximately 6500 individuals of European and African American ancestry in the NHLBI Exome Sequencing Project, indicating it is not a common benign variant in these populations. The D668Y variant is a non-conservative amino acid substitution, which is likely to impact secondary protein structure as these residues differ in polarity, charge, size and/or other properties. This substitution occurs at a position that is conserved across species and in silico analysis predicts this variant is probably damaging to the protein structure/function. The D668Y variant is a strong candidate for a pathogenic variant.

Literature cited by the submitters: PubMed 28377535 (cited by Labcorp Genetics (formerly Invitae), Labcorp and Institute of Human Genetics, University of Leipzig Medical Center); PubMed 34160719 (cited by Labcorp Genetics (formerly Invitae), Labcorp).